The following is an entry in ClinVar:

NM_000503.6(EYA1):c.1141-15T>G

Gene: EYA1 (EYA transcriptional coactivator and phosphatase 1; minus strand). Cytogenetic location: 8q13.3.
Variant type: single nucleotide variant.
Coding change: c.1141-15T>G on transcript NM_000503.6 (MANE Select); 15 bases into the intron before coding-DNA position 1141, T replaced by G.
Molecular consequence: intron variant.
Genome position (GRCh38, 1-based): chr8:71,217,038, A>C on the plus strand (T>G on the coding strand, the complement: EYA1 is on the minus strand). VCF-style: chr8-71217038-A-C. GRCh37 (hg19) VCF-style: chr8-72129273-A-C.
Other names: c.1120-15T>G (NM_001370336.1); c.1228-15T>G (NM_001370333.1); c.1141-15T>G (NM_001370335.1, NM_001370334.1, NM_172058.4); c.1123-15T>G (NM_172059.5, NM_001288574.2); c.775-15T>G (NM_001288575.2).
Identifiers: ClinVar variation 163434 (VCV000163434.21), dbSNP rs186249248, ClinGen allele CA176081.

ClinVar aggregate classification (germline): Benign/Likely benign. Review status: criteria provided, multiple submitters, no conflicts (2 of 4 stars). 8 submissions from 7 submitters: Benign (6); Likely benign (2). Last evaluated 2026-01-12.

Conditions:
Melnick-Fraser syndrome (BOR). Also called: Branchio-oto-renal syndrome; Branchiootorenal syndrome; Branchiootorenal Syndrome (BORS). Identifiers: Orphanet 107, MedGen C0265234, MONDO:0007029.
Otofaciocervical syndrome 1 (OTFCS). Identifiers: MedGen C3714941, MONDO:0024532, OMIM 166780.
Branchiootorenal syndrome 1. Also called: Branchio-Oto-Renal Syndrome 1. Identifiers: Orphanet 107, MedGen C4551702, MONDO:0007236, OMIM 113650.
Branchiootic syndrome 1 (BOS1). Also called: BO SYNDROME 1; BRANCHIOOTIC DYSPLASIA. Identifiers: MedGen C1865143, MONDO:0011258, OMIM 602588.

Allele frequency attached by ClinVar (database versions not stated): ESP Exome Variant Server 0.00023; gnomAD exomes 0.00064 and 0.00279; gnomAD 0.00103 and 0.00109; 1000 Genomes Project 30x 0.00203; TOPMed 0.00206; 1000 Genomes Project 0.00220; ExAC 0.00234.
gnomAD v4.1: 1,083 of 1,597,856 alleles (0.068%); highest among the groups gnomAD compares: Admixed American, 1.5%; 14 homozygotes.

Submissions (8):

Labcorp Genetics (formerly Invitae), Labcorp
Classification: Benign for Melnick-Fraser syndrome. Last evaluated: 2026-01-12. Review status: criteria provided, single submitter. Criteria: Invitae Variant Classification Sherloc (09022015). Collection method: clinical testing. Allele origin: germline.

Blueprint Genetics
Classification: Benign. Last evaluated: 2024-11-06. Review status: criteria provided, single submitter. Criteria: ACMG Guidelines, 2015. Collection method: clinical testing. Allele origin: germline.

Fulgent Genetics
Classification: Benign for Branchiootorenal syndrome 1; Otofaciocervical syndrome 1; Branchiootic syndrome 1. Last evaluated: 2021-07-20. Review status: criteria provided, single submitter. Criteria: ACMG Guidelines, 2015. Collection method: clinical testing. Allele origin: unknown.

GeneDx
Classification: Likely benign. Last evaluated: 2018-07-17. Review status: criteria provided, single submitter. Criteria: GeneDx Variant Classification Process June 2021. Collection method: clinical testing. Allele origin: germline. Affected: yes.

Illumina Laboratory Services, Illumina
Classification: Benign for Branchiootic syndrome. Last evaluated: 2018-01-12. Review status: criteria provided, single submitter. Criteria: ICSL Variant Classification Criteria 13 December 2019. Collection method: clinical testing. Allele origin: germline.
Comment: This variant was observed in the ICSL laboratory as part of a predisposition screen in an ostensibly healthy population. It had not been previously curated by ICSL or reported in the Human Gene Mutation Database (HGMD: prior to June 1st, 2018), and was therefore a candidate for classification through an automated scoring system. Utilizing variant allele frequency, disease prevalence and penetrance estimates, and inheritance mode, an automated score was calculated to assess if this variant is too frequent to cause the disease. Based on the score and internal cut-off values, a variant classified as benign is not then subjected to further curation. The score for this variant resulted in a classification of benign for this disease.

Illumina Laboratory Services, Illumina
Classification: Benign for Otofaciocervical syndrome 1. Last evaluated: 2018-01-12. Review status: criteria provided, single submitter. Criteria: ICSL Variant Classification Criteria 13 December 2019. Collection method: clinical testing. Allele origin: germline.
Comment: the same text as in the submission from Illumina Laboratory Services, Illumina above.

Laboratory for Molecular Medicine, Mass General Brigham Personalized Medicine
Classification: Benign. Last evaluated: 2015-01-30. Review status: criteria provided, single submitter. Criteria: LMM Criteria. Collection method: clinical testing. Allele origin: germline. Observed: 6 variant alleles.
Comment: c.1141-15T>G in intron 11 of EYA1: This variant is not expected to have clinical significance because it has been identified in 2.2% (261/11534) of Latino chrom osomes by the Exome Aggregation Consortium (ExAC ; dbSNP rs186249248), and computational tools do not suggest an impact to splici ng.

Breakthrough Genomics
Classification: Likely benign. Review status: criteria provided, single submitter. Criteria: ACMG Guidelines, 2015. Collection method: not provided. Allele origin: germline. Inheritance: Autosomal dominant inheritance. Affected: yes.